The following is an entry in ClinVar:

ClinVar aggregate classification (germline): Uncertain significance. Review status: criteria provided, multiple submitters, no conflicts (2 of 4 stars). 2 submissions from 2 submitters: Uncertain significance (2). Last evaluated 2025-03-25.

Conditions:
Cohen syndrome (COH1). Also called: PEPPER SYNDROME; Cutis verticis gyrata, retinitis pigmentosa, and sensorineural deafness. Identifiers: Orphanet 193, MedGen C0265223, MONDO:0008999, OMIM 216550.
VPS13B-related disorder. Also called: VPS13B-related condition.

Allele frequency attached by ClinVar (database versions not stated): gnomAD exomes below 0.00001.
gnomAD v4.1: 1 of 1,609,756 alleles (0.000062%); highest among the groups gnomAD compares: Admixed American, 0.0017%; no homozygotes.

Submissions (2):

PreventionGenetics, part of Exact Sciences
Classification: Uncertain significance for VPS13B-related condition. Last evaluated: 2025-03-25. Review status: criteria provided, single submitter. Criteria: ACMG Guidelines, 2015. Collection method: clinical testing. Allele origin: germline.
Comment: The VPS13B c.8605C>G variant is predicted to result in the amino acid substitution p.Leu2869Val. To our knowledge, this variant has not been reported in the literature. This variant is reported in 0.0029% of alleles in individuals of Latino descent in gnomAD. At this time, the clinical significance of this variant is uncertain due to the absence of conclusive functional and genetic evidence.

Labcorp Genetics (formerly Invitae), Labcorp
Classification: Uncertain significance for Cohen syndrome. Last evaluated: 2022-02-25. Review status: criteria provided, single submitter. Criteria: Invitae Variant Classification Sherloc (09022015). Collection method: clinical testing. Allele origin: germline.
Comment: This sequence change replaces leucine with valine at codon 2894 of the VPS13B protein (p.Leu2894Val). The leucine residue is moderately conserved and there is a small physicochemical difference between leucine and valine. This variant is present in population databases (no rsID available, gnomAD 0.003%). This variant has not been reported in the literature in individuals affected with VPS13B-related conditions. Algorithms developed to predict the effect of missense changes on protein structure and function are either unavailable or do not agree on the potential impact of this missense change (SIFT: "Not Available"; PolyPhen-2: "Benign"; Align-GVGD: "Not Available"). In summary, the available evidence is currently insufficient to determine the role of this variant in disease. Therefore, it has been classified as a Variant of Uncertain Significance.

NM_152564.5(VPS13B):c.8605C>G (p.Leu2869Val)

Gene: VPS13B (vacuolar protein sorting 13 homolog B; plus strand). Cytogenetic location: 8q22.2.
Variant type: single nucleotide variant.
Coding change: c.8605C>G on transcript NM_152564.5 (MANE Select); coding-DNA position 8605, C replaced by G.
Protein change: p.Leu2869Val; replaces leucine 2869 with valine.
Molecular consequence: missense variant.
Genome position (GRCh38, 1-based): chr8:99,818,872, C>G. VCF-style: chr8-99818872-C-G. GRCh37 (hg19) VCF-style: chr8-100831100-C-G.
Other names: c.8680C>G, p.Leu2894Val (NM_017890.5); c.8605C>G (NM_152564.4); short protein forms L2869V, L2894V.
Identifiers: ClinVar variation 1411786 (VCV001411786.4), dbSNP rs1448710192, ClinGen allele CA371775158.